The following is an entry in ClinVar:

NM_019842.4(KCNQ5):c.703C>T (p.Arg235Cys)

Gene: KCNQ5 (potassium voltage-gated channel subfamily Q member 5; plus strand). Cytogenetic location: 6q13.
Variant type: single nucleotide variant.
Coding change: c.703C>T on transcript NM_019842.4 (MANE Select); coding-DNA position 703, C replaced by T.
Protein change: p.Arg235Cys; replaces arginine 235 with cysteine.
Molecular consequence: missense variant.
Genome position (GRCh38, 1-based): chr6:73,077,408, C>T. VCF-style: chr6-73077408-C-T. GRCh37 (hg19) VCF-style: chr6-73787131-C-T.
Other names: c.703C>T, p.Arg235Cys (NM_001160130.2, NM_001160132.2, NM_001160133.2 and 1 more transcripts); short protein forms R235C.
Identifiers: ClinVar variation 1642028 (VCV001642028.33), dbSNP rs2150391522, ClinGen allele CA364826277.

ClinVar aggregate classification (germline): Conflicting classifications of pathogenicity. Review status: criteria provided, conflicting classifications (1 of 4 stars). 2 submissions from 2 submitters: Uncertain significance (1); Likely benign (1). Last evaluated 2023-09-01.

Submissions (2):

CeGaT Center for Human Genetics Tuebingen
Classification: Uncertain significance. Last evaluated: 2023-09-01. Review status: criteria provided, single submitter. Criteria: CeGaT Center For Human Genetics Tuebingen Variant Classification Criteria Version 2. Collection method: clinical testing. Allele origin: germline. Affected: yes. Observed: 1 variant allele.
Comment: KCNQ5: PM2, PP2, PP3

Labcorp Genetics (formerly Invitae), Labcorp
Classification: Likely benign. Last evaluated: 2022-03-02. Review status: criteria provided, single submitter. Criteria: Invitae Variant Classification Sherloc (09022015). Collection method: clinical testing. Allele origin: germline.